The following is an entry in ClinVar:

NM_003070.5(SMARCA2):c.2770-3C>T

Gene: SMARCA2 (SWI/SNF related BAF chromatin remodeling complex subunit ATPase 2; plus strand). Cytogenetic location: 9p24.3.
Variant type: single nucleotide variant.
Coding change: c.2770-3C>T on transcript NM_003070.5 (MANE Select); 3 bases into the intron before coding-DNA position 2770, C replaced by T.
Molecular consequence: intron variant.
Genome position (GRCh38, 1-based): chr9:2,088,497, C>T. VCF-style: chr9-2088497-C-T. GRCh37 (hg19) VCF-style: chr9-2088497-C-T.
Other names: c.2770-3C>T (NM_139045.4, NM_001289396.2); c.2596-3C>T (NM_001289397.2).
Identifiers: ClinVar variation 2068089 (VCV002068089.4), dbSNP rs191801016, ClinGen allele CA187937014.

ClinVar aggregate classification (germline): Uncertain significance (1 of 4 stars; one submission).

Allele frequency attached by ClinVar (database versions not stated): gnomAD exomes below 0.00001; gnomAD 0.00001; TOPMed 0.00001; 1000 Genomes Project 30x 0.00016; 1000 Genomes Project 0.00020.
gnomAD v4.1: 3 of 1,572,434 alleles (0.00019%); highest among the groups gnomAD compares: African/African-American, 0.0042%; no homozygotes.

Submission:

Labcorp Genetics (formerly Invitae), Labcorp
Classification: Uncertain significance. Last evaluated: 2022-03-10. Review status: criteria provided, single submitter. Criteria: Invitae Variant Classification Sherloc (09022015). Collection method: clinical testing. Allele origin: germline.
Comment: In summary, the available evidence is currently insufficient to determine the role of this variant in disease. Therefore, it has been classified as a Variant of Uncertain Significance. Variants that disrupt the consensus splice site are a relatively common cause of aberrant splicing (PMID: 17576681, 9536098). Algorithms developed to predict the effect of sequence changes on RNA splicing suggest that this variant is not likely to affect RNA splicing. This variant has not been reported in the literature in individuals affected with SMARCA2-related conditions. This variant is present in population databases (rs191801016, gnomAD 0.007%). This sequence change falls in intron 18 of the SMARCA2 gene. It does not directly change the encoded amino acid sequence of the SMARCA2 protein. It affects a nucleotide within the consensus splice site.

Literature cited by the submitters: PubMed 17576681; PubMed 9536098.